The following is an entry in ClinVar:

NM_003476.5(CSRP3):c.*8C>G

Gene: CSRP3 (cysteine and glycine rich protein 3; minus strand). Cytogenetic location: 11p15.1.
Variant type: single nucleotide variant.
Coding change: c.*8C>G on transcript NM_003476.5 (MANE Select); 8 bases downstream of the stop codon, C replaced by G.
Molecular consequence: 3 prime UTR variant. On other transcripts: missense variant (1).
Genome position (GRCh38, 1-based): chr11:19,182,662, G>C on the plus strand (C>G on the coding strand, the complement: CSRP3 is on the minus strand). VCF-style: chr11-19182662-G-C. GRCh37 (hg19) VCF-style: chr11-19204209-G-C.
Other names: c.424C>G, p.Arg142Gly (NM_001369404.1); short protein forms R142G.
Identifiers: ClinVar variation 4683600 (VCV004683600.1).

ClinVar aggregate classification (germline): Likely benign (1 of 4 stars; one submission).

gnomAD v4.1: 4 of 1,613,164 alleles (0.00025%); highest among the groups gnomAD compares: Non-Finnish European, 0.00034%; no homozygotes.

Submission:

Mayo Clinic Laboratories, Mayo Clinic
Classification: Likely benign. Last evaluated: 2024-11-27. Review status: criteria provided, single submitter. Criteria: ACMG Guidelines, 2015. Collection method: clinical testing. Allele origin: germline. Observed: 1 variant allele.
Comment: BP4, BP7, PM2_supporting